The following is an entry in ClinVar:

ClinVar aggregate classification (germline): Uncertain significance. Review status: criteria provided, multiple submitters, no conflicts (2 of 4 stars). 2 submissions from 2 submitters: Uncertain significance (2). Last evaluated 2026-04-24.

Conditions:
Diamond-Blackfan anemia 5 (DBA5). Also called: RPL35A-Related Diamond-Blackfan Anemia. Identifiers: Orphanet 124, MedGen C2675859, MONDO:0012925, OMIM 612528.
RPL35A-related disorder. Also called: RPL35A-related condition.

gnomAD v4.1: 6 of 1,614,090 alleles (0.00037%); highest among the groups gnomAD compares: Non-Finnish European, 0.00051%; no homozygotes.

Submissions (2):

PreventionGenetics, part of Exact Sciences
Classification: Uncertain significance for RPL35A-related condition. Last evaluated: 2026-04-24. Review status: criteria provided, single submitter. Criteria: ACMG Guidelines, 2015. Collection method: clinical testing. Allele origin: germline.
Comment: The RPL35A c.76G>A variant is predicted to result in the amino acid substitution p.Ala26Thr. To our knowledge, this variant has not been reported in the literature. This variant is reported in 0.0015% of alleles in individuals of European (Non-Finnish) descent in gnomAD. At this time, the clinical significance of this variant is uncertain due to the absence of conclusive functional and genetic evidence.

Labcorp Genetics (formerly Invitae), Labcorp
Classification: Uncertain significance for Diamond-Blackfan anemia 5. Last evaluated: 2024-04-07. Review status: criteria provided, single submitter. Criteria: Invitae Variant Classification Sherloc (09022015). Collection method: clinical testing. Allele origin: germline.
Comment: This sequence change replaces alanine, which is neutral and non-polar, with threonine, which is neutral and polar, at codon 26 of the RPL35A protein (p.Ala26Thr). This variant is present in population databases (no rsID available, gnomAD 0.002%). This variant has not been reported in the literature in individuals affected with RPL35A-related conditions. An algorithm developed to predict the effect of missense changes on protein structure and function (PolyPhen-2) suggests that this variant is likely to be tolerated. In summary, the available evidence is currently insufficient to determine the role of this variant in disease. Therefore, it has been classified as a Variant of Uncertain Significance.

NM_000996.4(RPL35A):c.76G>A (p.Ala26Thr)

Genes: DRC9 (dynein regulatory complex subunit 9; minus strand), RPL35A (ribosomal protein L35a; plus strand). Cytogenetic location: 3q29.
Variant type: single nucleotide variant.
Coding change: c.76G>A on transcript NM_000996.4 (MANE Select); coding-DNA position 76, G replaced by A.
Protein change: p.Ala26Thr; replaces alanine 26 with threonine.
Molecular consequence: missense variant. On other transcripts: intron variant (3).
Genome position (GRCh38, 1-based): chr3:197,951,223, G>A. VCF-style: chr3-197951223-G-A. GRCh37 (hg19) VCF-style: chr3-197678094-G-A.
Other names: c.76G>A, p.Ala26Thr (NM_001316311.2); c.-49-7172C>T (NM_001323028.2); c.-59-5537C>T (NM_032263.5); c.-374-5537C>T (NM_001323029.2); c.76G>A (NM_000996.2); short protein forms A26T.
Identifiers: ClinVar variation 3672423 (VCV003672423.3).